The following is an entry in ClinVar:

ClinVar aggregate classification (germline): Uncertain significance (1 of 4 stars; one submission).

Conditions:
Diabetes mellitus, noninsulin-dependent, 1 (T2D1). Identifiers: MedGen C1832544, MONDO:0011027, OMIM 601283.

gnomAD v4.1: 1 of 1,608,742 alleles (0.000062%); highest among the groups gnomAD compares: Non-Finnish European, 0.000085%; no homozygotes.

Submission:

Juno Genomics, Hangzhou Juno Genomics, Inc
Classification: Uncertain significance for Diabetes mellitus, noninsulin-dependent, 1. Review status: criteria provided, single submitter. Criteria: ACMG Guidelines, 2015. Collection method: clinical testing. Allele origin: germline.
Comment: Absent from controls (or at extremely low frequency if recessive) in Genome Aggregation Database.;Multiple lines of computational evidence support a deleterious effect on the gene or gene product.

NM_023083.4(CAPN10):c.1465G>T (p.Gly489Trp)

Gene: CAPN10 (calpain 10; plus strand). Cytogenetic location: 2q37.3.
Variant type: single nucleotide variant.
Coding change: c.1465G>T on transcript NM_023083.4 (MANE Select); coding-DNA position 1465, G replaced by T.
Protein change: p.Gly489Trp; replaces glycine 489 with tryptophan.
Molecular consequence: missense variant. On other transcripts: intron variant (1).
Genome position (GRCh38, 1-based): chr2:240,596,505, G>T. VCF-style: chr2-240596505-G-T. GRCh37 (hg19) VCF-style: chr2-241535922-G-T.
Other names: c.1278+1201G>T (NM_023085.4); short protein forms G489W.
Identifiers: ClinVar variation 5006259 (VCV005006259.2).